The following is an entry in ClinVar:

NM_016216.4(DBR1):c.525T>C (p.Asp175=)

Gene: DBR1 (debranching RNA lariats 1; minus strand). Cytogenetic location: 3q22.3.
Variant type: single nucleotide variant.
Coding change: c.525T>C on transcript NM_016216.4 (MANE Select); coding-DNA position 525, T replaced by C.
Protein change: p.Asp175=; no amino-acid change (aspartic acid 175 retained).
Molecular consequence: synonymous variant.
Genome position (GRCh38, 1-based): chr3:138,167,270, A>G on the plus strand (T>C on the coding strand, the complement: DBR1 is on the minus strand). VCF-style: chr3-138167270-A-G. GRCh37 (hg19) VCF-style: chr3-137886112-A-G.
Identifiers: ClinVar variation 2035704 (VCV002035704.29), dbSNP rs144351137, ClinGen allele CA2635842.

ClinVar aggregate classification (germline): Likely benign. Review status: criteria provided, multiple submitters, no conflicts (2 of 4 stars). 3 submissions from 3 submitters: Likely benign (3). Last evaluated 2026-07-01.

Allele frequency attached by ClinVar (database versions not stated): gnomAD 0.00027; 1000 Genomes Project 30x 0.00031; ESP Exome Variant Server 0.00031; gnomAD exomes 0.00034; 1000 Genomes Project 0.00040; ExAC 0.00052.

Submissions (3):

CeGaT Center for Human Genetics Tuebingen
Classification: Likely benign. Last evaluated: 2026-07-01. Review status: criteria provided, single submitter. Criteria: CeGaT Center For Human Genetics Tuebingen Variant Classification Criteria Version 2. Collection method: clinical testing. Allele origin: germline. Affected: yes. Observed: 2 variant alleles.
Comment: DBR1: BP4, BP7

Labcorp Genetics (formerly Invitae), Labcorp
Classification: Likely benign. Last evaluated: 2026-02-01. Review status: criteria provided, single submitter. Criteria: Invitae Variant Classification Sherloc (09022015). Collection method: clinical testing. Allele origin: germline.

Blueprint Genetics
Classification: Likely benign. Last evaluated: 2024-11-13. Review status: criteria provided, single submitter. Criteria: ACMG Guidelines, 2015. Collection method: clinical testing. Allele origin: germline.